The following is an entry in ClinVar:

ClinVar aggregate classification (germline): Conflicting classifications of pathogenicity. Review status: criteria provided, conflicting classifications (1 of 4 stars). 7 submissions from 7 submitters: Uncertain significance (5); Likely benign (1). 1 of the submissions does not count toward it. Last evaluated 2026-03-18.

Conditions:
PCDH15-related disorder. Also called: PCDH15-related condition; PCDH15-related disorders.
Usher syndrome type 1F (USH1F). Also called: USHER SYNDROME, TYPE IF. Identifiers: Orphanet 231169, Orphanet 886, MedGen C1865885, MONDO:0011186, OMIM 602083.

Allele frequency attached by ClinVar (database versions not stated): ExAC 0.00007; ESP Exome Variant Server 0.00008; gnomAD exomes 0.00015 and 0.00027; TOPMed 0.00015; 1000 Genomes Project 30x 0.00016; gnomAD 0.00016 and 0.00017.
gnomAD v4.1: 408 of 1,601,086 alleles (0.025%); highest among the groups gnomAD compares: Admixed American, 0.045%; 1 homozygote.

Submissions (7):

PreventionGenetics, part of Exact Sciences
Classification: Uncertain significance for PCDH15-related condition. Last evaluated: 2026-03-18. Review status: criteria provided, single submitter. Criteria: ACMG Guidelines, 2015. Collection method: clinical testing. Allele origin: germline.
Comment: The PCDH15 c.3127C>T variant is predicted to result in the amino acid substitution p.Pro1043Ser. To our knowledge, this variant has not been reported in the literature. This variant is reported in 0.051% of alleles in individuals of Latino descent in gnomAD. Although we suspect that this variant may be benign, the clinical significance of this variant is uncertain at this time due to the absence of conclusive functional and genetic evidence.

Labcorp Genetics (formerly Invitae), Labcorp
Classification: Likely benign. Last evaluated: 2025-11-12. Review status: criteria provided, single submitter. Criteria: Invitae Variant Classification Sherloc (09022015). Collection method: clinical testing. Allele origin: germline.

GeneDx
Classification: Uncertain significance. Last evaluated: 2025-10-06. Review status: criteria provided, single submitter. Criteria: GeneDx Variant Classification Process June 2021. Collection method: clinical testing. Allele origin: germline. Affected: yes.
Comment: In silico analysis supports that this missense variant has a deleterious effect on protein structure/function; This variant is associated with the following publications: (PMID: 36833203)

CeGaT Center for Human Genetics Tuebingen
Classification: Uncertain significance. Last evaluated: 2025-02-01. Review status: criteria provided, single submitter. Criteria: CeGaT Center For Human Genetics Tuebingen Variant Classification Criteria Version 2. Collection method: clinical testing. Allele origin: germline. Affected: yes. Observed: 1 variant allele.
Comment: PCDH15: PM2:Supporting, BP4

ARUP Laboratories, Molecular Genetics and Genomics, ARUP Laboratories
Classification: Uncertain significance. Last evaluated: 2017-05-30. Review status: criteria provided, single submitter. Criteria: ARUP Molecular Germline Variant Investigation Process. Collection method: clinical testing. Allele origin: germline.

Breakthrough Genomics
Classification: Uncertain significance. Review status: criteria provided, single submitter. Criteria: ACMG Guidelines, 2015. Collection method: not provided. Allele origin: germline. Inheritance: Autosomal recessive inheritance. Affected: yes.

Natera, Inc.
Classification: Uncertain significance for Usher syndrome type 1F. Last evaluated: 2020-01-24. Review status: no assertion criteria provided. Collection method: clinical testing. Allele origin: germline. Not counted in ClinVar's aggregate classification.

NM_001384140.1(PCDH15):c.3127C>T (p.Pro1043Ser)

Gene: PCDH15 (protocadherin related 15; minus strand). Cytogenetic location: 10q21.1.
Variant type: single nucleotide variant.
Coding change: c.3127C>T on transcript NM_001384140.1 (MANE Select); coding-DNA position 3127, C replaced by T.
Protein change: p.Pro1043Ser; replaces proline 1043 with serine.
Molecular consequence: missense variant.
Genome position (GRCh38, 1-based): chr10:53,940,971, G>A on the plus strand (C>T on the coding strand, the complement: PCDH15 is on the minus strand). VCF-style: chr10-53940971-G-A. GRCh37 (hg19) VCF-style: chr10-55700731-G-A.
Other names: c.3016C>T, p.Pro1006Ser (NM_001142767.2); c.3061C>T, p.Pro1021Ser (NM_001142768.2, NM_001142773.2, NM_001354404.2); c.3163C>T, p.Pro1055Ser (NM_001142769.4); c.3127C>T, p.Pro1043Ser (NM_001142770.3, NM_001142772.2, NM_001354420.2 and 4 more transcripts); c.3142C>T, p.Pro1048Ser (NM_001142771.2, NM_001142763.2); c.3148C>T, p.Pro1050Ser (NM_001354411.2); c.2914C>T, p.Pro972Ser (NM_001142765.2); short protein forms P1043S, P1021S, P972S, P1048S, P1050S, P1055S, P1006S.
Identifiers: ClinVar variation 440027 (VCV000440027.33), dbSNP rs189284385, ClinGen allele CA5505787.